The following is an entry in ClinVar:

NM_000518.5(HBB):c.-19G>C

Genes: HBB (hemoglobin subunit beta; minus strand), LOC106099062 (HBB recombination region; plus strand), LOC107133510 (origin of replication at HBB; plus strand). Cytogenetic location: 11p15.4.
Variant type: single nucleotide variant.
Coding change: c.-19G>C on transcript NM_000518.5 (MANE Select); 19 bases upstream of the start codon, G replaced by C.
Molecular consequence: 5 prime UTR variant.
Genome position (GRCh38, 1-based): chr11:5,227,040, C>G on the plus strand (G>C on the coding strand, the complement: HBB is on the minus strand). VCF-style: chr11-5227040-C-G. GRCh37 (hg19) VCF-style: chr11-5248270-C-G.
Identifiers: ClinVar variation 3768611 (VCV003768611.1).
Genomic context (GRCh38, chr11:5,227,040, plus strand): 5'-GGCAGTAACGGCAGACTTCTCCTCAGGAGTCAGATGCACCATGGTGTCTGTTTGAGGTTG[C>G]TAGTGAACACAGTTGTGTCAGAAGCAAATGTAAGCAATAGATGGCTCTGCCCTGACTTTT-3'

ClinVar aggregate classification (germline): Uncertain significance (1 of 4 stars; one submission).

gnomAD v4.1: 1 of 1,493,542 alleles (0.000067%); highest among the groups gnomAD compares: Non-Finnish European, 0.000094%; no homozygotes.

Submission:

Women's Health and Genetics/Laboratory Corporation of America, LabCorp
Classification: Uncertain significance. Last evaluated: 2025-02-11. Review status: criteria provided, single submitter. Criteria: LabCorp Variant Classification Summary - May 2015. Collection method: clinical testing. Allele origin: germline.
Comment: Variant summary: HBB c.-19G>C is located in the untranslated mRNA region upstream of the initiation codon. Consensus agreement among computation tools predict no significant impact on normal splicing. However, these predictions have yet to be confirmed by functional studies. The variant allele was found at a frequency of 4e-06 in 250902 control chromosomes. The available data on variant occurrences in the general population are insufficient to allow any conclusion about variant significance. c.-19G>C has been reported in the literature in trans along with a second pathogenic variant in one individual affected with thalassemia (Jalali_2023). These data do not allow any conclusion about variant significance. To our knowledge, no experimental evidence demonstrating an impact on protein function has been reported. The following publication has been ascertained in the context of this evaluation (PMID: 37671080). No submitters have cited clinical-significance assessments for this variant to ClinVar. Based on the evidence outlined above, the variant was classified as uncertain significance.

Literature cited by the submitters: PubMed 37671080.